The following is an entry in ClinVar:

NM_001370785.2(LRRC7):c.3663A>C (p.Lys1221Asn)

Genes: LRRC7 (leucine rich repeat containing 7; plus strand), LRRC7-AS1 (LRRC7 antisense RNA 1; minus strand). Cytogenetic location: 1p31.1.
Variant type: single nucleotide variant.
Coding change: c.3663A>C on transcript NM_001370785.2 (MANE Select); coding-DNA position 3663, A replaced by C.
Protein change: p.Lys1221Asn; replaces lysine 1221 with asparagine.
Molecular consequence: missense variant.
Genome position (GRCh38, 1-based): chr1:70,039,487, A>C. VCF-style: chr1-70039487-A-C. GRCh37 (hg19) VCF-style: chr1-70505170-A-C.
Other names: c.3564A>C, p.Lys1188Asn (NM_001330635.3, NM_001366841.1); c.3666A>C, p.Lys1222Asn (NM_001350216.3); c.3663A>C, p.Lys1221Asn (NM_001366838.3); c.3504A>C, p.Lys1168Asn (NM_001366839.3); short protein forms K1168N, K1188N, K1221N, K1222N.
Identifiers: ClinVar variation 4801044 (VCV004801044.1).

ClinVar aggregate classification (germline): Uncertain significance (1 of 4 stars; one submission).

Submission:

Labcorp Genetics (formerly Invitae), Labcorp
Classification: Uncertain significance. Last evaluated: 2025-04-04. Review status: criteria provided, single submitter. Criteria: Invitae Variant Classification Sherloc (09022015). Collection method: clinical testing. Allele origin: germline.
Comment: This sequence change replaces lysine, which is basic and polar, with asparagine, which is neutral and polar, at codon 1221 of the LRRC7 protein (p.Lys1221Asn). This variant is not present in population databases (gnomAD no frequency). This variant has not been reported in the literature in individuals affected with LRRC7-related conditions. Experimental studies and prediction algorithms are not available or were not evaluated, and the functional significance of this variant is currently unknown. In summary, the available evidence is currently insufficient to determine the role of this variant in disease. Therefore, it has been classified as a Variant of Uncertain Significance.